The following is an entry in ClinVar:

NM_004070.4(CLCNKA):c.1477G>A (p.Gly493Ser)

Genes: CLCNKA (chloride voltage-gated channel Ka; plus strand), LOC106501712 (CLCNKA recombination region; plus strand). Cytogenetic location: 1p36.13.
Variant type: single nucleotide variant.
Coding change: c.1477G>A on transcript NM_004070.4 (MANE Select); coding-DNA position 1477, G replaced by A.
Protein change: p.Gly493Ser; replaces glycine 493 with serine.
Molecular consequence: missense variant.
Genome position (GRCh38, 1-based): chr1:16,030,529, G>A. VCF-style: chr1-16030529-G-A. GRCh37 (hg19) VCF-style: chr1-16357024-G-A.
Other names: c.1477G>A, p.Gly493Ser (NM_001042704.2); c.1348G>A, p.Gly450Ser (NM_001257139.2); short protein forms G450S, G493S.
Identifiers: ClinVar variation 3902777 (VCV003902777.1).

ClinVar aggregate classification (germline): Uncertain significance (1 of 4 stars; one submission).

gnomAD v4.1: 23 of 1,612,986 alleles (0.0014%); highest among the groups gnomAD compares: East Asian, 0.0022%; no homozygotes.

Submission:

Women's Health and Genetics/Laboratory Corporation of America, LabCorp
Classification: Uncertain significance. Last evaluated: 2025-05-21. Review status: criteria provided, single submitter. Criteria: LabCorp Variant Classification Summary - May 2015. Collection method: clinical testing. Allele origin: germline.
Comment: Variant summary: CLCNKA c.1477G>A (p.Gly493Ser) results in a non-conservative amino acid change in the encoded protein sequence. Algorithms developed to predict the effect of missense changes on protein structure and function all suggest that this variant is likely to be disruptive. The variant allele was found at a frequency of 1.6e-05 in 250482 control chromosomes. The available data on variant occurrences in the general population are insufficient to allow any conclusion about variant significance. To our knowledge, no occurrence of c.1477G>A in individuals affected with Bartter Syndrome, Type 4b and no experimental evidence demonstrating its impact on protein function have been reported. No submitters have cited clinical-significance assessments for this variant to ClinVar. Based on the evidence outlined above, the variant was classified as uncertain significance.